The following is an entry in ClinVar:

NM_033547.4(INTS4):c.2091G>A (p.Ala697=)

Genes: AAMDC (adipogenesis associated Mth938 domain containing; plus strand), INTS4 (integrator complex subunit 4; minus strand). Cytogenetic location: 11q14.1.
Variant type: single nucleotide variant.
Coding change: c.2091G>A on transcript NM_033547.4 (MANE Select); coding-DNA position 2091, G replaced by A.
Protein change: p.Ala697=; no amino-acid change (alanine 697 retained).
Molecular consequence: synonymous variant. On other transcripts: 3 prime UTR variant (4), non-coding transcript variant (4).
Genome position (GRCh38, 1-based): chr11:77,903,546, C>T on the plus strand (G>A on the coding strand, the complement: INTS4 is on the minus strand). VCF-style: chr11-77903546-C-T. GRCh37 (hg19) VCF-style: chr11-77614592-C-T.
Other names: c.*2860C>T (NM_001316957.3); c.*2945C>T (NM_001316958.3, NM_001392034.1); c.*2964C>T (NM_001392068.1).
Identifiers: ClinVar variation 2642195 (VCV002642195.22), dbSNP rs565544206, ClinGen allele CA6201961.

ClinVar aggregate classification (germline): Likely benign (1 of 4 stars; one submission).

Allele frequency attached by ClinVar (database versions not stated): 1000 Genomes Project 0.00140; ExAC 0.00033; 1000 Genomes Project 30x 0.00156.

Submission:

CeGaT Center for Human Genetics Tuebingen
Classification: Likely benign. Last evaluated: 2023-03-01. Review status: criteria provided, single submitter. Criteria: CeGaT Center For Human Genetics Tuebingen Variant Classification Criteria Version 2. Collection method: clinical testing. Allele origin: germline. Affected: yes. Observed: 1 variant allele.
Comment: INTS4: BP4, BP7